The following is an entry in ClinVar:

ClinVar aggregate classification (germline): Likely benign (1 of 4 stars; one submission).

Allele frequency attached by ClinVar (database versions not stated): gnomAD 0.00001; gnomAD exomes 0.00001; TOPMed 0.00002; ExAC 0.00004.
gnomAD v4.1: 23 of 1,613,960 alleles (0.0014%); highest among the groups gnomAD compares: Middle Eastern, 0.033%; no homozygotes.

Submission:

CeGaT Center for Human Genetics Tuebingen
Classification: Likely benign. Last evaluated: 2025-07-01. Review status: criteria provided, single submitter. Criteria: CeGaT Center For Human Genetics Tuebingen Variant Classification Criteria Version 2. Collection method: clinical testing. Allele origin: germline. Affected: yes. Observed: 2 variant alleles.
Comment: SOX6: BP4, BP7

NM_001367873.1(SOX6):c.2040C>T (p.Ile680=)

Gene: SOX6 (SRY-box transcription factor 6; minus strand). Cytogenetic location: 11p15.2.
Variant type: single nucleotide variant.
Coding change: c.2040C>T on transcript NM_001367873.1 (MANE Select); coding-DNA position 2040, C replaced by T.
Protein change: p.Ile680=; no amino-acid change (isoleucine 680 retained).
Molecular consequence: synonymous variant.
Genome position (GRCh38, 1-based): chr11:15,986,347, G>A on the plus strand (C>T on the coding strand, the complement: SOX6 is on the minus strand). VCF-style: chr11-15986347-G-A. GRCh37 (hg19) VCF-style: chr11-16007893-G-A.
Other names: c.1959C>T, p.Ile653= (NM_001145811.2, NM_017508.3); c.2040C>T, p.Ile680= (NM_001145819.2); c.1917C>T, p.Ile639= (NM_001367872.1); c.1980C>T, p.Ile660= (NM_033326.3).
Identifiers: ClinVar variation 3067435 (VCV003067435.21), dbSNP rs199839322, ClinGen allele CA5897985.